The following is an entry in ClinVar:

NM_032119.4(ADGRV1):c.2017-5A>G

Gene: ADGRV1 (adhesion G protein-coupled receptor V1; plus strand). Cytogenetic location: 5q14.3.
Variant type: single nucleotide variant.
Coding change: c.2017-5A>G on transcript NM_032119.4 (MANE Select); 5 bases into the intron before coding-DNA position 2017, A replaced by G.
Molecular consequence: intron variant.
Genome position (GRCh38, 1-based): chr5:90,637,720, A>G. VCF-style: chr5-90637720-A-G. GRCh37 (hg19) VCF-style: chr5-89933537-A-G.
Identifiers: ClinVar variation 512740 (VCV000512740.4), dbSNP rs763411569, ClinGen allele CA3338814.

ClinVar aggregate classification (germline): Likely benign. Review status: criteria provided, multiple submitters, no conflicts (2 of 4 stars). 2 submissions from 2 submitters: Likely benign (2). Last evaluated 2023-11-17.

Allele frequency attached by ClinVar (database versions not stated): gnomAD 0.00001; TOPMed 0.00003.
gnomAD v4.1: 12 of 1,565,752 alleles (0.00077%); highest among the groups gnomAD compares: Non-Finnish European, 0.001%; no homozygotes.

Submissions (2):

Labcorp Genetics (formerly Invitae), Labcorp
Classification: Likely benign. Last evaluated: 2023-11-17. Review status: criteria provided, single submitter. Criteria: Invitae Variant Classification Sherloc (09022015). Collection method: clinical testing. Allele origin: germline.

GeneDx
Classification: Likely benign. Last evaluated: 2017-10-23. Review status: criteria provided, single submitter. Criteria: GeneDx Variant Classification (06012015). Collection method: clinical testing. Allele origin: germline. Affected: yes.
Comment: This variant is considered likely benign or benign based on one or more of the following criteria: it is a conservative change, it occurs at a poorly conserved position in the protein, it is predicted to be benign by multiple in silico algorithms, and/or has population frequency not consistent with disease.